The following is an entry in ClinVar:

ClinVar aggregate classification (germline): Uncertain significance. Review status: criteria provided, multiple submitters, no conflicts (2 of 4 stars). 2 submissions from 2 submitters: Uncertain significance (2). Last evaluated 2024-12-21.

Conditions:
POLD1-related polyposis and colorectal cancer syndrome (CRCS10). Also called: Colorectal cancer 10; COLORECTAL CANCER, SUSCEPTIBILITY TO, ON CHROMOSOME 19q; Colorectal cancer, susceptibility to, 10. Identifiers: Orphanet 220460, MedGen C2675481, MONDO:0012953, OMIM 612591.
Hereditary cancer-predisposing syndrome. Also called: Tumor predisposition; Hereditary Cancer Syndrome; Hereditary neoplastic syndrome; Neoplastic Syndromes, Hereditary. Identifiers: Orphanet 140162, MedGen C0027672, MeSH D009386, MONDO:0015356.

Submissions (2):

Ambry Genetics
Classification: Uncertain significance for Hereditary cancer-predisposing syndrome. Last evaluated: 2024-12-21. Review status: criteria provided, single submitter. Criteria: Ambry Variant Classification Scheme 2023. Collection method: clinical testing. Allele origin: germline.
Comment: The p.K1007R variant (also known as c.3020A>G), located in coding exon 23 of the POLD1 gene, results from an A to G substitution at nucleotide position 3020. The lysine at codon 1007 is replaced by arginine, an amino acid with highly similar properties. This amino acid position is conserved. In addition, this alteration is predicted to be tolerated by in silico analysis. Based on the available evidence, the clinical significance of this variant remains unclear.

Labcorp Genetics (formerly Invitae), Labcorp
Classification: Uncertain significance for POLD1-related polyposis and colorectal cancer syndrome. Last evaluated: 2019-01-31. Review status: criteria provided, single submitter. Criteria: Invitae Variant Classification Sherloc (09022015). Collection method: clinical testing. Allele origin: germline.
Comment: In summary, the available evidence is currently insufficient to determine the role of this variant in disease. Therefore, it has been classified as a Variant of Uncertain Significance. Algorithms developed to predict the effect of sequence changes on RNA splicing suggest that this variant may create or strengthen a splice site, but this prediction has not been confirmed by published transcriptional studies. Algorithms developed to predict the effect of missense changes on protein structure and function (SIFT, PolyPhen-2, Align-GVGD) all suggest that this variant is likely to be tolerated, but these predictions have not been confirmed by published functional studies and their clinical significance is uncertain. This variant has not been reported in the literature in individuals with POLD1-related conditions. The frequency data for this variant in the population databases is considered unreliable, as metrics indicate insufficient coverage at this position in the ExAC database. This sequence change replaces lysine with arginine at codon 1007 of the POLD1 protein (p.Lys1007Arg). The lysine residue is weakly conserved and there is a small physicochemical difference between lysine and arginine.

NM_002691.4(POLD1):c.3020A>G (p.Lys1007Arg)

Gene: POLD1 (DNA polymerase delta 1, catalytic subunit; plus strand). Cytogenetic location: 19q13.33.
Variant type: single nucleotide variant.
Coding change: c.3020A>G on transcript NM_002691.4 (MANE Select); coding-DNA position 3020, A replaced by G.
Protein change: p.Lys1007Arg; replaces lysine 1007 with arginine.
Molecular consequence: missense variant. On other transcripts: non-coding transcript variant (1).
Genome position (GRCh38, 1-based): chr19:50,416,676, A>G. VCF-style: chr19-50416676-A-G. GRCh37 (hg19) VCF-style: chr19-50919933-A-G.
Other names: c.3020A>G (NM_002691.2); c.3020A>G, p.Lys1007Arg (NM_001256849.1); c.3098A>G, p.Lys1033Arg (NM_001308632.1); short protein forms K1007R, K1033R.
Identifiers: ClinVar variation 861259 (VCV000861259.10), dbSNP rs2039308776, ClinGen allele CA406986936.